The following is an entry in ClinVar:

ClinVar aggregate classification (germline): Uncertain significance (1 of 4 stars; one submission).

Submission:

Labcorp Genetics (formerly Invitae), Labcorp
Classification: Uncertain significance. Last evaluated: 2022-09-12. Review status: criteria provided, single submitter. Criteria: Invitae Variant Classification Sherloc (09022015). Collection method: clinical testing. Allele origin: germline.
Comment: In summary, the available evidence is currently insufficient to determine the role of this variant in disease. Therefore, it has been classified as a Variant of Uncertain Significance. Advanced modeling of protein sequence and biophysical properties (such as structural, functional, and spatial information, amino acid conservation, physicochemical variation, residue mobility, and thermodynamic stability) performed at Invitae indicates that this missense variant is expected to disrupt LMNB1 protein function. ClinVar contains an entry for this variant (Variation ID: 1449579). This variant has not been reported in the literature in individuals affected with LMNB1-related conditions. This variant is not present in population databases (gnomAD no frequency). This sequence change replaces leucine, which is neutral and non-polar, with arginine, which is basic and polar, at codon 60 of the LMNB1 protein (p.Leu60Arg).

NM_005573.4(LMNB1):c.179T>G (p.Leu60Arg)

Gene: LMNB1 (lamin B1; plus strand). Cytogenetic location: 5q23.2.
Variant type: single nucleotide variant.
Coding change: c.179T>G on transcript NM_005573.4 (MANE Select); coding-DNA position 179, T replaced by G.
Protein change: p.Leu60Arg; replaces leucine 60 with arginine.
Molecular consequence: missense variant. On other transcripts: non-coding transcript variant (1), intron variant (1).
Genome position (GRCh38, 1-based): chr5:126,777,687, T>G. VCF-style: chr5-126777687-T-G. GRCh37 (hg19) VCF-style: chr5-126113379-T-G.
Other names: c.-272+443T>G (NM_001198557.2); short protein forms L60R.
Identifiers: ClinVar variation 1449579 (VCV001449579.6), dbSNP rs2112911981, ClinGen allele CA360724970.
Genomic context (GRCh38, chr5:126,777,687, plus strand): 5'-ATGACCGGCTGGCGGTGTACATCGACAAGGTGCGCAGCCTGGAGACGGAGAACAGCGCGC[T>G]GCAGCTGCAGGTGACGGAGCGCGAGGAGGTGCGCGGCCGTGAGCTCACCGGCCTCAAGGC-3'
Protein context (NP_005564.1, residues 50-70): VRSLETENSA[Leu60Arg]QLQVTEREEV